The following is an entry in ClinVar:

NM_018127.7(ELAC2):c.1943C>T (p.Ala648Val)

Gene: ELAC2 (elaC ribonuclease Z 2; minus strand). Cytogenetic location: 17p12.
Variant type: single nucleotide variant.
Coding change: c.1943C>T on transcript NM_018127.7 (MANE Select); coding-DNA position 1943, C replaced by T.
Protein change: p.Ala648Val; replaces alanine 648 with valine.
Molecular consequence: missense variant.
Genome position (GRCh38, 1-based): chr17:12,994,850, G>A on the plus strand (C>T on the coding strand, the complement: ELAC2 is on the minus strand). VCF-style: chr17-12994850-G-A. GRCh37 (hg19) VCF-style: chr17-12898167-G-A.
Other names: c.1823C>T, p.Ala608Val (NM_001165962.2); c.1940C>T, p.Ala647Val (NM_173717.2); short protein forms A608V, A647V, A648V.
Identifiers: ClinVar variation 3767199 (VCV003767199.1).

ClinVar aggregate classification (germline): Likely pathogenic (1 of 4 stars; one submission).

Conditions:
Combined oxidative phosphorylation defect type 17. Also called: Combined oxidative phosphorylation deficiency 17. Identifiers: Orphanet 369913, MedGen C3809526, MONDO:0014190, OMIM 615440.

gnomAD v4.1: 8 of 1,614,070 alleles (0.0005%); highest among the groups gnomAD compares: East Asian, 0.0045%; no homozygotes.

Submission:

Service de Génétique Médicale, Centre Hospitalier Universitaire de Nice-Université Côte d'Azur
Classification: Likely pathogenic for Combined oxidative phosphorylation defect type 17. Last evaluated: 2024-02-27. Review status: criteria provided, single submitter. Criteria: ACMG Guidelines, 2015. Collection method: clinical testing. Allele origin: germline. Affected: yes.

Literature cited by the submitters: PubMed 38703036.